The following is an entry in ClinVar:

ClinVar aggregate classification (germline): Likely pathogenic (1 of 4 stars; one submission).

Conditions:
Leukocyte adhesion deficiency 3. Also called: Leukocyte adhesion deficiency, type III; INTEGRIN ACTIVATION DEFICIENCY DISEASE; LEUKOCYTE ADHESION DEFICIENCY 1 VARIANT. Identifiers: Orphanet 2968, Orphanet 99844, MedGen C2748536, MONDO:0013016, OMIM 612840.

Submission:

Labcorp Genetics (formerly Invitae), Labcorp
Classification: Likely pathogenic for Leukocyte adhesion deficiency 3. Last evaluated: 2023-11-07. Review status: criteria provided, single submitter. Criteria: Invitae Variant Classification Sherloc (09022015). Collection method: clinical testing. Allele origin: germline.
Comment: This sequence change affects a donor splice site in intron 6 of the FERMT3 gene. It is expected to disrupt RNA splicing. Variants that disrupt the donor or acceptor splice site typically lead to a loss of protein function (PMID: 16199547), and loss-of-function variants in FERMT3 are known to be pathogenic (PMID: 19064721, 19234463, 22134107). This variant is not present in population databases (gnomAD no frequency). This variant has not been reported in the literature in individuals affected with FERMT3-related conditions. Algorithms developed to predict the effect of sequence changes on RNA splicing suggest that this variant may disrupt the consensus splice site. In summary, the currently available evidence indicates that the variant is pathogenic, but additional data are needed to prove that conclusively. Therefore, this variant has been classified as Likely Pathogenic.

Literature cited by the submitters: PubMed 16199547; PubMed 19064721; PubMed 19234463; PubMed 22134107.

NM_031471.6(FERMT3):c.786+1G>T

Gene: FERMT3 (FERM domain containing kindlin 3; plus strand). Cytogenetic location: 11q13.1.
Variant type: single nucleotide variant.
Coding change: c.786+1G>T on transcript NM_031471.6 (MANE Select); the canonical splice donor site of the intron after coding-DNA position 786, G replaced by T.
Molecular consequence: splice donor variant.
Genome position (GRCh38, 1-based): chr11:64,211,748, G>T. VCF-style: chr11-64211748-G-T. GRCh37 (hg19) VCF-style: chr11-63979220-G-T.
Other names: c.786+1G>T (NM_001382448.1, NM_178443.3, NM_001382362.1 and 1 more transcripts); c.246+1G>T (NM_001382364.1, NM_001382363.1).
Identifiers: ClinVar variation 3004277 (VCV003004277.3), dbSNP rs1946445537, ClinGen allele CA381084058.
Genomic context (GRCh38, chr11:64,211,748, plus strand): 5'-GCCGGGGACGCACTCTGGCTGCGCTTCAAGTACTACAGCTTCTTCGATTTGGATCCCAAG[G>T]TGGGTCGGGGCAGGGAGAAAGCGGGCCTCAGGTCCATGAGATGTGGAGACCTAGGGCCTG-3'